The following is an entry in ClinVar:

NM_003872.3(NRP2):c.2425+9543G>A

Gene: NRP2 (neuropilin 2; plus strand). Cytogenetic location: 2q33.3.
Variant type: single nucleotide variant.
Coding change: c.2425+9543G>A on transcript NM_003872.3 (MANE Select); 9543 bases into the intron after coding-DNA position 2425, G replaced by A.
Molecular consequence: intron variant. On other transcripts: synonymous variant (2).
Genome position (GRCh38, 1-based): chr2:205,776,346, G>A. VCF-style: chr2-205776346-G-A. GRCh37 (hg19) VCF-style: chr2-206641070-G-A.
Other names: c.2541G>A, p.Val847= (NM_018534.4); c.2526G>A, p.Val842= (NM_201267.2); c.2440+9528G>A (NM_201266.2); c.2425+9543G>A (NM_201279.2).
Identifiers: ClinVar variation 3046945 (VCV003046945.2), dbSNP rs1432338042, ClinGen allele CA539390733.

ClinVar aggregate classification (germline): Likely benign (0 of 4 stars; one submission).

Conditions:
NRP2-related disorder. Also called: NRP2-related condition.

Allele frequency attached by ClinVar (database versions not stated): gnomAD exomes 0.00001.
gnomAD v4.1: 6 of 1,612,890 alleles (0.00037%); highest among the groups gnomAD compares: Admixed American, 0.0083%; no homozygotes.

Submission:

PreventionGenetics, part of Exact Sciences
Classification: Likely benign for NRP2-related condition. Last evaluated: 2022-01-07. Review status: no assertion criteria provided. Collection method: clinical testing. Allele origin: germline.
Comment: This variant is classified as likely benign based on ACMG/AMP sequence variant interpretation guidelines (Richards et al. 2015 PMID: 25741868, with internal and published modifications).